The following is an entry in ClinVar:

NM_001034853.2(RPGR):c.2824del (p.Glu942fs)

Gene: RPGR (retinitis pigmentosa GTPase regulator; minus strand). Cytogenetic location: Xp11.4.
Variant type: Deletion.
Coding change: c.2824del on transcript NM_001034853.2 (MANE Select); coding-DNA position 2824, one base deleted (G; older notation c.2824delG).
Protein change: p.Glu942fs; shifts the reading frame from glutamic acid 942.
Molecular consequence: frameshift variant. On other transcripts: intron variant (8).
Genome position (GRCh38, 1-based): chrX:38,286,175, C deleted on the plus strand (G on the coding strand, the reverse complement: RPGR is on the minus strand); the first of 4 consecutive C bases (chrX:38,286,175-38,286,178); deleting any one gives the same sequence. VCF-style (leftmost placement, unchanged base first): chrX-38286174-TC-T. GRCh37 (hg19) VCF-style: chrX-38145427-TC-T.
Other names: c.1569+4784del (NM_001367249.1, NM_001367250.1); c.1902+919del (NM_001367245.1); c.1386+4784del (NM_001367251.1); c.1719+919del (NM_001367246.1); c.1572+4784del (NM_001367247.1); c.1905+919del (NM_000328.3); c.1602+4784del (NM_001367248.1); short protein forms E942fs.
Identifiers: ClinVar variation 813994 (VCV000813994.3), dbSNP rs1601920131, ClinGen allele CA658820621.

ClinVar aggregate classification (germline): Likely pathogenic. Review status: criteria provided, single submitter (1 of 4 stars). 2 submissions from 1 submitter: Likely pathogenic (2). Last evaluated 2021-04-01.

Conditions:
Retinitis pigmentosa (RP). Identifiers: Orphanet 791, MedGen C0035334, MeSH D012174, MONDO:0019200, OMIM 268000. Inheritance: Autosomal dominant, autosomal recessive and X linked inheritance.
Retinitis pigmentosa 3. Also called: CHOROIDORETINAL DEGENERATION WITH RETINAL REFLEX IN HETEROZYGOUS WOMEN. Identifiers: Orphanet 791, MedGen C1845667, MONDO:0010227, OMIM 300029.

Submissions (2):

Broad Center for Mendelian Genomics, Broad Institute of MIT and Harvard
Classification: Likely pathogenic for Retinitis pigmentosa. Last evaluated: 2021-04-01. Review status: criteria provided, single submitter. Criteria: ACMG Guidelines, 2015. Collection method: curation. Allele origin: germline. Inheritance: X-linked inheritance. Affected: yes.
Comment: Based on this evidence we have classified this variant as Likely Pathogenic. If you have any questions about the classification please reach out to the Pierce Lab.

Broad Center for Mendelian Genomics, Broad Institute of MIT and Harvard
Classification: Likely pathogenic for Retinitis pigmentosa 3. Last evaluated: 2018-12-03. Review status: criteria provided, single submitter. Criteria: ACMG Guidelines, 2015. Collection method: research. Allele origin: germline. Inheritance: X-linked inheritance. Affected: yes.
Comment: The p.Glu942ArgfsTer147 variant in RPGR was identified by our study in two affected siblings with retinitis pigmentosa, one hemizygous and one heterozygous for the variant. This variant is predicted to cause a frameshift, which alters the protein's amino acid sequence beginning at position 942 and leads to a premature termination codon 147 amino acids downstream. This alteration is then predicted to lead to a truncated or absent protein. The p.Glu942ArgfsTer147 variant in RPGR has not been previously reported in individuals with retinitis pigmentosa and was absent from large population studies. Loss of function of the RPGR gene is an established disease mechanism in X-linked retinitis pigmentosa. In summary, although additional studies are required to fully establish its clinical significance, this variant is likely pathogenic. Criteria applied: PM2, PVS1 (Richards 2015).

Literature cited by the submitters: PubMed 34906470; PubMed 26143542.